The following is an entry in ClinVar:

ClinVar aggregate classification (germline): Uncertain significance (1 of 4 stars; one submission).

Submission:

Labcorp Genetics (formerly Invitae), Labcorp
Classification: Uncertain significance. Last evaluated: 2022-06-11. Review status: criteria provided, single submitter. Criteria: Invitae Variant Classification Sherloc (09022015). Collection method: clinical testing. Allele origin: germline.
Comment: This sequence change replaces tyrosine, which is neutral and polar, with cysteine, which is neutral and slightly polar, at codon 145 of the AHR protein (p.Tyr145Cys). In summary, the available evidence is currently insufficient to determine the role of this variant in disease. Therefore, it has been classified as a Variant of Uncertain Significance. Algorithms developed to predict the effect of missense changes on protein structure and function (SIFT, PolyPhen-2, Align-GVGD) all suggest that this variant is likely to be disruptive. This variant has not been reported in the literature in individuals affected with AHR-related conditions. This variant is not present in population databases (gnomAD no frequency).

NM_001621.5(AHR):c.434A>G (p.Tyr145Cys)

Gene: AHR (aryl hydrocarbon receptor; plus strand). Cytogenetic location: 7p21.1.
Variant type: single nucleotide variant.
Coding change: c.434A>G on transcript NM_001621.5 (MANE Select); coding-DNA position 434, A replaced by G.
Protein change: p.Tyr145Cys; replaces tyrosine 145 with cysteine.
Molecular consequence: missense variant.
Genome position (GRCh38, 1-based): chr7:17,327,832, A>G. VCF-style: chr7-17327832-A-G. GRCh37 (hg19) VCF-style: chr7-17367456-A-G.
Other names: short protein forms Y145C.
Identifiers: ClinVar variation 1935535 (VCV001935535.5), dbSNP rs1356159454, ClinGen allele CA366891291.